The following is an entry in ClinVar:

ClinVar aggregate classification (germline): Likely benign (1 of 4 stars; one submission).

gnomAD v4.1: 49 of 1,608,994 alleles (0.003%); highest among the groups gnomAD compares: Admixed American, 0.013%; no homozygotes.

Submission:

CeGaT Center for Human Genetics Tuebingen
Classification: Likely benign. Last evaluated: 2026-01-01. Review status: criteria provided, single submitter. Criteria: CeGaT Center For Human Genetics Tuebingen Variant Classification Criteria Version 2. Collection method: clinical testing. Allele origin: germline. Affected: yes. Observed: 1 variant allele.
Comment: CDK19: BP4, BP7

NM_015076.5(CDK19):c.1185G>A (p.Ala395=)

Gene: CDK19 (cyclin dependent kinase 19; minus strand). Cytogenetic location: 6q21.
Variant type: single nucleotide variant.
Coding change: c.1185G>A on transcript NM_015076.5 (MANE Select); coding-DNA position 1185, G replaced by A.
Protein change: p.Ala395=; no amino-acid change (alanine 395 retained).
Molecular consequence: synonymous variant.
Genome position (GRCh38, 1-based): chr6:110,621,296, C>T on the plus strand (G>A on the coding strand, the complement: CDK19 is on the minus strand). VCF-style: chr6-110621296-C-T. GRCh37 (hg19) VCF-style: chr6-110942499-C-T.
Other names: c.1053G>A, p.Ala351= (NM_001300960.2); c.1005G>A, p.Ala335= (NM_001300963.2, NM_001300964.2).
Identifiers: ClinVar variation 4821752 (VCV004821752.4).
Genomic context (GRCh38, chr6:110,621,296, plus strand): 5'-CCCGGCCCCAGCCCCACCTGCGGTCCCGTTGGTCTGGGTGCTGTTCTGCTGTGGTGGGGG[C>T]GCCTGTGGAGGGGCTGCTGCCTGCTGTGGAGGGGCTGTGGGCTGCTGATGCTGGTTCTGC-3'
Protein context (NP_055891.1, residues 385-405): PPQQAAAPPQ[Ala395=]PPPQQNSTQT